The following is an entry in ClinVar:

NM_001436401.1(NOBOX):c.1424-8C>A

Gene: NOBOX (NOBOX oogenesis homeobox; minus strand). Cytogenetic location: 7q35.
Variant type: single nucleotide variant.
Coding change: c.1424-8C>A on transcript NM_001436401.1 (MANE Select); 8 bases into the intron before coding-DNA position 1424, C replaced by A.
Molecular consequence: intron variant.
Genome position (GRCh38, 1-based): chr7:144,397,549, G>T on the plus strand (C>A on the coding strand, the complement: NOBOX is on the minus strand). VCF-style: chr7-144397549-G-T. GRCh37 (hg19) VCF-style: chr7-144094642-G-T.
Other names: NM_001080413.3:c.1775-8C>A; c.872-8C>A (NM_001436402.1).
Identifiers: ClinVar variation 716086 (VCV000716086.8), dbSNP rs149880524, ClinGen allele CA4544505.

ClinVar aggregate classification (germline): Benign. Review status: criteria provided, multiple submitters, no conflicts (2 of 4 stars). 2 submissions from 2 submitters: Benign (2). Last evaluated 2019-12-31.

Conditions:
Premature ovarian failure 5 (POF5). Identifiers: MedGen C1969060, MONDO:0012689, OMIM 611548.

Allele frequency attached by ClinVar (database versions not stated): gnomAD exomes 0.00059 and 0.00161; ExAC 0.00454; 1000 Genomes Project 0.00619; gnomAD 0.00639 and 0.00688; 1000 Genomes Project 30x 0.00703; TOPMed 0.00706.
gnomAD v4.1: 1,818 of 1,509,682 alleles (0.12%); highest among the groups gnomAD compares: African/African-American, 2.2%; 20 homozygotes.

Submissions (2):

Labcorp Genetics (formerly Invitae), Labcorp
Classification: Benign. Last evaluated: 2019-12-31. Review status: criteria provided, single submitter. Criteria: Invitae Variant Classification Sherloc (09022015). Collection method: clinical testing. Allele origin: germline.

Illumina Laboratory Services, Illumina
Classification: Benign for Premature ovarian failure 5. Last evaluated: 2018-01-12. Review status: criteria provided, single submitter. Criteria: ICSL Variant Classification Criteria 13 December 2019. Collection method: clinical testing. Allele origin: germline.
Comment: This variant was observed in the ICSL laboratory as part of a predisposition screen in an ostensibly healthy population. It had not been previously curated by ICSL or reported in the Human Gene Mutation Database (HGMD: prior to June 1st, 2018), and was therefore a candidate for classification through an automated scoring system. Utilizing variant allele frequency, disease prevalence and penetrance estimates, and inheritance mode, an automated score was calculated to assess if this variant is too frequent to cause the disease. Based on the score and internal cut-off values, a variant classified as benign is not then subjected to further curation. The score for this variant resulted in a classification of benign for this disease.